The following is an entry in ClinVar:

NM_001012339.3(DNAJC21):c.1331G>A (p.Cys444Tyr)

Gene: DNAJC21 (DnaJ heat shock protein family (Hsp40) member C21; plus strand). Cytogenetic location: 5p13.2.
Variant type: single nucleotide variant.
Coding change: c.1331G>A on transcript NM_001012339.3 (MANE Select); coding-DNA position 1331, G replaced by A.
Protein change: p.Cys444Tyr; replaces cysteine 444 with tyrosine.
Molecular consequence: missense variant.
Genome position (GRCh38, 1-based): chr5:34,950,315, G>A. VCF-style: chr5-34950315-G-A. GRCh37 (hg19) VCF-style: chr5-34950420-G-A.
Other names: c.1466G>A (NM_194283.3); c.1370G>A, p.Cys457Tyr (NM_001348420.2); c.1466G>A, p.Cys489Tyr (NM_194283.4); short protein forms C444Y, C489Y, C457Y.
Identifiers: ClinVar variation 1960796 (VCV001960796.6), dbSNP rs2480656558, ClinGen allele CA359423149.

ClinVar aggregate classification (germline): Uncertain significance. Review status: criteria provided, multiple submitters, no conflicts (2 of 4 stars). 2 submissions from 2 submitters: Uncertain significance (2). Last evaluated 2024-08-20.

Conditions:
Inborn genetic diseases. Identifiers: MedGen C0950123, MeSH D030342.

gnomAD v4.1: 1 of 1,610,734 alleles (0.000062%); no homozygotes.

Submissions (2):

Ambry Genetics
Classification: Uncertain significance for Inborn genetic diseases. Last evaluated: 2024-08-20. Review status: criteria provided, single submitter. Criteria: Ambry Variant Classification Scheme 2023. Collection method: clinical testing. Allele origin: germline.

Labcorp Genetics (formerly Invitae), Labcorp
Classification: Uncertain significance. Last evaluated: 2022-04-12. Review status: criteria provided, single submitter. Criteria: Invitae Variant Classification Sherloc (09022015). Collection method: clinical testing. Allele origin: germline.
Comment: This sequence change replaces cysteine, which is neutral and slightly polar, with tyrosine, which is neutral and polar, at codon 444 of the DNAJC21 protein (p.Cys444Tyr). In summary, the available evidence is currently insufficient to determine the role of this variant in disease. Therefore, it has been classified as a Variant of Uncertain Significance. Algorithms developed to predict the effect of missense changes on protein structure and function are either unavailable or do not agree on the potential impact of this missense change (SIFT: "Deleterious"; PolyPhen-2: "Benign"; Align-GVGD: "Class C0"). This variant has not been reported in the literature in individuals affected with DNAJC21-related conditions. This variant is not present in population databases (gnomAD no frequency).